The following is an entry in ClinVar:

ClinVar aggregate classification (germline): Benign/Likely benign. Review status: criteria provided, multiple submitters, no conflicts (2 of 4 stars). 5 submissions from 5 submitters: Benign (2); Likely benign (3). Last evaluated 2025-12-10.

Allele frequency attached by ClinVar (database versions not stated): TOPMed 0.00015; gnomAD 0.00022 and 0.00024; ESP Exome Variant Server 0.00031.
gnomAD v4.1: 526 of 1,610,130 alleles (0.033%); highest among the groups gnomAD compares: Non-Finnish European, 0.039%; 1 homozygote.

Submissions (5):

Mayo Clinic Laboratories, Mayo Clinic
Classification: Likely benign. Last evaluated: 2025-12-10. Review status: criteria provided, single submitter. Criteria: ACMG Guidelines, 2015. Collection method: clinical testing. Allele origin: germline. Observed: 1 variant allele.
Comment: BS2, BP4, BP7

CeGaT Center for Human Genetics Tuebingen
Classification: Likely benign. Last evaluated: 2025-12-01. Review status: criteria provided, single submitter. Criteria: CeGaT Center For Human Genetics Tuebingen Variant Classification Criteria Version 2. Collection method: clinical testing. Allele origin: germline. Affected: yes. Observed: 3 variant alleles.
Comment: KCNC3: BP4, BP7

Blueprint Genetics
Classification: Likely benign. Last evaluated: 2024-09-10. Review status: criteria provided, single submitter. Criteria: ACMG Guidelines, 2015. Collection method: clinical testing. Allele origin: germline.

Labcorp Genetics (formerly Invitae), Labcorp
Classification: Benign. Last evaluated: 2024-02-05. Review status: criteria provided, single submitter. Criteria: Invitae Variant Classification Sherloc (09022015). Collection method: clinical testing. Allele origin: germline.

Athena Diagnostics
Classification: Benign. Last evaluated: 2018-07-20. Review status: criteria provided, single submitter. Criteria: Athena Diagnostics Criteria. Collection method: clinical testing. Allele origin: germline.

Literature cited by the submitters: PubMed 25756792 (cited by Mayo Clinic Laboratories, Mayo Clinic and Athena Diagnostics).

NM_004977.3(KCNC3):c.579C>G (p.Arg193=)

Gene: KCNC3 (potassium voltage-gated channel subfamily C member 3; minus strand). Cytogenetic location: 19q13.33.
Variant type: single nucleotide variant.
Coding change: c.579C>G on transcript NM_004977.3 (MANE Select); coding-DNA position 579, C replaced by G.
Protein change: p.Arg193=; no amino-acid change (arginine 193 retained).
Molecular consequence: synonymous variant.
Genome position (GRCh38, 1-based): chr19:50,328,504, G>C on the plus strand (C>G on the coding strand, the complement: KCNC3 is on the minus strand). VCF-style: chr19-50328504-G-C. GRCh37 (hg19) VCF-style: chr19-50831761-G-C.
Other names: p.Arg193=; c.351C>G, p.Arg117= (NM_001372305.1).
Identifiers: ClinVar variation 586084 (VCV000586084.50), dbSNP rs138237939, ClinGen allele CA9594363.